The following is an entry in ClinVar:

NM_003072.5(SMARCA4):c.4098G>A (p.Met1366Ile)

Gene: SMARCA4 (SWI/SNF related BAF chromatin remodeling complex subunit ATPase 4; plus strand). Cytogenetic location: 19p13.2.
Variant type: single nucleotide variant.
Coding change: c.4098G>A on transcript NM_003072.5 (MANE Select); coding-DNA position 4098, G replaced by A.
Protein change: p.Met1366Ile; replaces methionine 1366 with isoleucine.
Molecular consequence: missense variant. On other transcripts: non-coding transcript variant (1).
Genome position (GRCh38, 1-based): chr19:11,035,060, G>A. VCF-style: chr19-11035060-G-A. GRCh37 (hg19) VCF-style: chr19-11145736-G-A.
Other names: c.4098G>A, p.Met1366Ile (NM_001128844.3, NM_001128849.3); c.3999G>A, p.Met1333Ile (NM_001128845.2, NM_001128846.2, NM_001128847.4 and 2 more transcripts); short protein forms M1366I, M1333I.
Identifiers: ClinVar variation 978548 (VCV000978548.8), dbSNP rs763586264, ClinGen allele CA9204589.

ClinVar aggregate classification (germline): Uncertain significance (1 of 4 stars; one submission).

Conditions:
Rhabdoid tumor predisposition syndrome 2 (RTPS2). Identifiers: Orphanet 231108, Orphanet 69077, MedGen C2750074, MONDO:0013224, OMIM 613325.

Allele frequency attached by ClinVar (database versions not stated): gnomAD exomes below 0.00001 and 0.00001; ExAC 0.00001; gnomAD 0.00001.

Submission:

Labcorp Genetics (formerly Invitae), Labcorp
Classification: Uncertain significance for Rhabdoid tumor predisposition syndrome 2. Last evaluated: 2025-07-28. Review status: criteria provided, single submitter. Criteria: Invitae Variant Classification Sherloc (09022015). Collection method: clinical testing. Allele origin: germline.
Comment: This sequence change replaces methionine, which is neutral and non-polar, with isoleucine, which is neutral and non-polar, at codon 1366 of the SMARCA4 protein (p.Met1366Ile). This variant is present in population databases (rs763586264, gnomAD 0.005%). This variant has not been reported in the literature in individuals affected with SMARCA4-related conditions. ClinVar contains an entry for this variant (Variation ID: 978548). An algorithm developed to predict the effect of missense changes on protein structure and function (PolyPhen-2) suggests that this variant is likely to be tolerated. In summary, the available evidence is currently insufficient to determine the role of this variant in disease. Therefore, it has been classified as a Variant of Uncertain Significance.